The following is an entry in ClinVar:

ClinVar aggregate classification (germline): Uncertain significance. Review status: criteria provided, multiple submitters, no conflicts (2 of 4 stars). 2 submissions from 2 submitters: Uncertain significance (2). Last evaluated 2024-09-26.

Conditions:
Emery-Dreifuss muscular dystrophy 5, autosomal dominant (EDMD5). Also called: EMERY-DREIFUSS MUSCULAR DYSTROPHY 5. Identifiers: Orphanet 261, MedGen C2751805, MONDO:0013072, OMIM 612999.

Allele frequency attached by ClinVar (database versions not stated): gnomAD 0.00001; TOPMed 0.00001; ExAC 0.00002.
gnomAD v4.1: 11 of 1,611,710 alleles (0.00068%); highest among the groups gnomAD compares: Admixed American, 0.0067%; no homozygotes.

Submissions (2):

Labcorp Genetics (formerly Invitae), Labcorp
Classification: Uncertain significance for Emery-Dreifuss muscular dystrophy 5, autosomal dominant. Last evaluated: 2024-09-26. Review status: criteria provided, single submitter. Criteria: Invitae Variant Classification Sherloc (09022015). Collection method: clinical testing. Allele origin: germline.
Comment: This sequence change replaces arginine, which is basic and polar, with glutamine, which is neutral and polar, at codon 104 of the SYNE2 protein (p.Arg104Gln). This variant is present in population databases (rs767367300, gnomAD 0.01%). This variant has not been reported in the literature in individuals affected with SYNE2-related conditions. ClinVar contains an entry for this variant (Variation ID: 2269942). An algorithm developed to predict the effect of missense changes on protein structure and function outputs the following: PolyPhen-2: "Benign". The glutamine amino acid residue is found in multiple mammalian species, which suggests that this missense change does not adversely affect protein function. In summary, the available evidence is currently insufficient to determine the role of this variant in disease. Therefore, it has been classified as a Variant of Uncertain Significance.

Ambry Genetics
Classification: Uncertain significance. Last evaluated: 2022-01-04. Review status: criteria provided, single submitter. Criteria: Ambry Variant Classification Scheme 2023. Collection method: clinical testing. Allele origin: germline.

NM_182914.3(SYNE2):c.311G>A (p.Arg104Gln)

Gene: SYNE2 (spectrin repeat containing nuclear envelope protein 2; plus strand). Cytogenetic location: 14q23.2.
Variant type: single nucleotide variant.
Coding change: c.311G>A on transcript NM_182914.3 (MANE Select); coding-DNA position 311, G replaced by A.
Protein change: p.Arg104Gln; replaces arginine 104 with glutamine.
Molecular consequence: missense variant.
Genome position (GRCh38, 1-based): chr14:63,941,958, G>A. VCF-style: chr14-63941958-G-A. GRCh37 (hg19) VCF-style: chr14-64408676-G-A.
Other names: c.311G>A, p.Arg104Gln (NM_015180.6); short protein forms R104Q.
Identifiers: ClinVar variation 2269942 (VCV002269942.4), dbSNP rs767367300, ClinGen allele CA7219067.
Genomic context (GRCh38, chr14:63,941,958, plus strand): 5'-GATCTAATACCTTCCAGTGTAGAATCAATATAGAACATGCCTTGACATTCCTAAGAAACC[G>A]ATCAGTAAGTATAAATTTTTCTTAAAAATTCACAGGAGAGATTAATGCTCTGGGATATTT-3'
Protein context (NP_878918.2, residues 94-114): IEHALTFLRN[Arg104Gln]SIKLINIHVT